The following is an entry in ClinVar:

ClinVar aggregate classification (germline): Likely pathogenic (1 of 4 stars; one submission).

Submission:

Labcorp Genetics (formerly Invitae), Labcorp
Classification: Likely pathogenic. Last evaluated: 2023-10-16. Review status: criteria provided, single submitter. Criteria: Invitae Variant Classification Sherloc (09022015). Collection method: clinical testing. Allele origin: germline.
Comment: This variant results in a copy number gain of the genomic region encompassing exon(s) 8-13 of the TBCD gene. While the exact position of this variant cannot be determined from the data, sub-genic copy number gains are generally in tandem (PMID: 25640679). This variant is predicted to be out-of-frame, and may result in an absent or disrupted protein product. Loss-of-function variants in TBCD are known to be pathogenic (PMID: 27666370, 27666374). This variant has not been reported in the literature in individuals affected with TBCD-related conditions. In summary, the currently available evidence indicates that the variant is pathogenic, but additional data are needed to prove that conclusively. Therefore, this variant has been classified as Likely Pathogenic.

Literature cited by the submitters: PubMed 25640679; PubMed 27666370; PubMed 27666374.

NC_000017.10:g.(?_80755613)_(80772830_?)dup

Gene: TBCD (tubulin folding cofactor D). Cytogenetic location: 17q25.3.
Variant type: Duplication.
Identifiers: ClinVar variation 2425455 (VCV002425455.4).